The following is an entry in ClinVar:

ClinVar aggregate classification (germline): Uncertain significance (1 of 4 stars; one submission).

gnomAD v4.1: 1 of 1,566,622 alleles (0.000064%); no homozygotes.

Submission:

Labcorp Genetics (formerly Invitae), Labcorp
Classification: Uncertain significance. Last evaluated: 2022-07-06. Review status: criteria provided, single submitter. Criteria: Invitae Variant Classification Sherloc (09022015). Collection method: clinical testing. Allele origin: germline.
Comment: This sequence change replaces aspartic acid, which is acidic and polar, with asparagine, which is neutral and polar, at codon 703 of the DIP2C protein (p.Asp703Asn). This variant is not present in population databases (gnomAD no frequency). In summary, the available evidence is currently insufficient to determine the role of this variant in disease. Therefore, it has been classified as a Variant of Uncertain Significance. Algorithms developed to predict the effect of missense changes on protein structure and function are either unavailable or do not agree on the potential impact of this missense change (SIFT: "Tolerated"; PolyPhen-2: "Possibly Damaging"; Align-GVGD: "Class C0"). This variant has not been reported in the literature in individuals affected with DIP2C-related conditions.

NM_014974.3(DIP2C):c.2107G>A (p.Asp703Asn)

Gene: DIP2C (DIP2 acetate--CoA ligase C (putative); minus strand). Cytogenetic location: 10p15.3.
Variant type: single nucleotide variant.
Coding change: c.2107G>A on transcript NM_014974.3 (MANE Select); coding-DNA position 2107, G replaced by A.
Protein change: p.Asp703Asn; replaces aspartic acid 703 with asparagine.
Molecular consequence: missense variant.
Genome position (GRCh38, 1-based): chr10:369,518, C>T on the plus strand (G>A on the coding strand, the complement: DIP2C is on the minus strand). VCF-style: chr10-369518-C-T. GRCh37 (hg19) VCF-style: chr10-415458-C-T.
Other names: short protein forms D703N.
Identifiers: ClinVar variation 2079854 (VCV002079854.4), dbSNP rs2540691488, ClinGen allele CA375834853.